The following is an entry in ClinVar:

ClinVar aggregate classification (germline): Uncertain significance. Review status: criteria provided, multiple submitters, no conflicts (2 of 4 stars). 2 submissions from 2 submitters: Uncertain significance (2). Last evaluated 2025-05-01.

Conditions:
Hereditary cancer-predisposing syndrome. Also called: Neoplastic Syndromes, Hereditary; Tumor predisposition; Hereditary Cancer Syndrome; Hereditary neoplastic syndrome. Identifiers: Orphanet 140162, MedGen C0027672, MeSH D009386, MONDO:0015356.
Multiple endocrine neoplasia, type 2 (MEN2). Identifiers: Orphanet 653, MedGen C4048306, MONDO:0019003. Disease mechanism: gain of function.

Submissions (2):

Ambry Genetics
Classification: Uncertain significance for Hereditary cancer-predisposing syndrome. Last evaluated: 2025-05-01. Review status: criteria provided, single submitter. Criteria: Ambry Variant Classification Scheme 2023. Collection method: clinical testing. Allele origin: germline.
Comment: The p.A249V variant (also known as c.746C>T), located in coding exon 4 of the RET gene, results from a C to T substitution at nucleotide position 746. The alanine at codon 249 is replaced by valine, an amino acid with similar properties. This amino acid position is conserved. In addition, this alteration is predicted to be tolerated by in silico analysis. Based on the available evidence, the clinical significance of this variant remains unclear.

Labcorp Genetics (formerly Invitae), Labcorp
Classification: Uncertain significance for Multiple endocrine neoplasia, type 2. Last evaluated: 2024-05-26. Review status: criteria provided, single submitter. Criteria: Invitae Variant Classification Sherloc (09022015). Collection method: clinical testing. Allele origin: germline.
Comment: This sequence change replaces alanine, which is neutral and non-polar, with valine, which is neutral and non-polar, at codon 249 of the RET protein (p.Ala249Val). This variant is not present in population databases (gnomAD no frequency). This variant has not been reported in the literature in individuals affected with RET-related conditions. An algorithm developed to predict the effect of missense changes on protein structure and function (PolyPhen-2) suggests that this variant is likely to be tolerated. In summary, the available evidence is currently insufficient to determine the role of this variant in disease. Therefore, it has been classified as a Variant of Uncertain Significance.

NM_020975.6(RET):c.746C>T (p.Ala249Val)

Gene: RET (ret proto-oncogene; plus strand). Cytogenetic location: 10q11.21.
Variant type: single nucleotide variant.
Coding change: c.746C>T on transcript NM_020975.6 (MANE Select); coding-DNA position 746, C replaced by T.
Protein change: p.Ala249Val; replaces alanine 249 with valine.
Molecular consequence: missense variant. On other transcripts: 5 prime UTR variant (1), intron variant (22).
Genome position (GRCh38, 1-based): chr10:43,105,072, C>T. VCF-style: chr10-43105072-C-T. GRCh37 (hg19) VCF-style: chr10-43600520-C-T.
Other names: c.-17C>T (NM_001355216.2); c.746C>T, p.Ala249Val (NM_001406743.1, NM_001406744.1, NM_001406759.1 and 6 more transcripts); c.617C>T, p.Ala206Val (NM_001406761.1, NM_001406762.1, NM_001406764.1 and 2 more transcripts); c.458C>T, p.Ala153Val (NM_001406766.1, NM_001406767.1, NM_001406770.1); c.625+2443C>T (NM_001406773.1, NM_001406771.1, NM_001406782.1 and 5 more transcripts); c.496+2443C>T (NM_001406786.1, NM_001406783.1); c.338-3959C>T (NM_001406778.1, NM_001406775.1, NM_001406776.1 and 1 more transcripts); c.337+4350C>T (NM_001406790.1, NM_001406788.1, NM_001406789.1 and 1 more transcripts); and 2 more; short protein forms A206V, A153V, A249V.
Identifiers: ClinVar variation 3633149 (VCV003633149.3).